The following is an entry in ClinVar:

ClinVar aggregate classification (germline): Pathogenic (1 of 4 stars; one submission).

Submission:

Athena Diagnostics
Classification: Pathogenic. Last evaluated: 2021-11-23. Review status: criteria provided, single submitter. Criteria: Athena Diagnostics Criteria. Collection method: clinical testing. Allele origin: unknown.
Comment: This variant is expected to result in the loss of a functional protein. This variant has been identified in at least one individual tested at Athena Diagnostics with clinical features associated with this gene. This variant has not been reported in large, multi-ethnic general populations.

NM_014946.4(SPAST):c.807del (p.Ser268_Tyr269insTer)

Gene: SPAST (spastin; plus strand). Cytogenetic location: 2p22.3.
Variant type: Deletion.
Coding change: c.807del on transcript NM_014946.4 (MANE Select); coding-DNA position 807, one base deleted (C; older notation c.807delC).
Protein change: p.Ser268_Tyr269insTer.
Molecular consequence: nonsense. On other transcripts: frameshift variant (1).
Genome position (GRCh38, 1-based): chr2:32,114,762, C deleted. VCF-style (leftmost placement, unchanged base first): chr2-32114761-AC-A. GRCh37 (hg19) VCF-style: chr2-32339830-AC-A.
Other names: c.804del, p.Ser267_Tyr268insTer (NM_001363823.2); c.708del, p.Ser235_Tyr236insTer (NM_001363875.2); c.711del, p.Ser236_Tyr237insTer (NM_001377959.1, NM_199436.2); c.807delC, p.Tyr269Terfs (NM_014946.3).
Identifiers: ClinVar variation 1807006 (VCV001807006.1), dbSNP rs2465835392, ClinGen allele CA2580066374.